The following is an entry in ClinVar:

NM_001256545.2(MEGF10):c.1369G>A (p.Gly457Ser)

Gene: MEGF10 (multiple EGF like domains 10; plus strand). Cytogenetic location: 5q23.2.
Variant type: single nucleotide variant.
Coding change: c.1369G>A on transcript NM_001256545.2 (MANE Select); coding-DNA position 1369, G replaced by A.
Protein change: p.Gly457Ser; replaces glycine 457 with serine.
Molecular consequence: missense variant.
Genome position (GRCh38, 1-based): chr5:127,419,183, G>A. VCF-style: chr5-127419183-G-A. GRCh37 (hg19) VCF-style: chr5-126754875-G-A.
Other names: c.1369G>A, p.Gly457Ser (NM_001308119.2, NM_001308121.2, NM_032446.3); short protein forms G457S.
Identifiers: ClinVar variation 2124743 (VCV002124743.4), dbSNP rs2479708008, ClinGen allele CA360729237.

ClinVar aggregate classification (germline): Uncertain significance (1 of 4 stars; one submission).

Conditions:
MEGF10-related myopathy (CMYO10A). Also called: Congenital myopathy 10A, severe variant. Identifiers: Orphanet 439212, MedGen C3280679, MONDO:0013731, OMIM 614399.

Submission:

Labcorp Genetics (formerly Invitae), Labcorp
Classification: Uncertain significance for MEGF10-related myopathy. Last evaluated: 2025-06-20. Review status: criteria provided, single submitter. Criteria: Invitae Variant Classification Sherloc (09022015). Collection method: clinical testing. Allele origin: germline.
Comment: This sequence change replaces glycine, which is neutral and non-polar, with serine, which is neutral and polar, at codon 457 of the MEGF10 protein (p.Gly457Ser). This variant is not present in population databases (gnomAD no frequency). This variant has not been reported in the literature in individuals affected with MEGF10-related conditions. ClinVar contains an entry for this variant (Variation ID: 2124743). Invitae Evidence Modeling of protein sequence and biophysical properties (such as structural, functional, and spatial information, amino acid conservation, physicochemical variation, residue mobility, and thermodynamic stability) indicates that this missense variant is not expected to disrupt MEGF10 protein function with a negative predictive value of 80%. In summary, the available evidence is currently insufficient to determine the role of this variant in disease. Therefore, it has been classified as a Variant of Uncertain Significance.